The following is an entry in ClinVar:

NM_000051.4(ATM):c.4440_4441delinsGC (p.Ser1481Pro)

Gene: ATM (ATM serine/threonine kinase; plus strand). Cytogenetic location: 11q22.3.
Variant type: Indel.
Coding change: c.4440_4441delinsGC on transcript NM_000051.4 (MANE Select); coding-DNA positions 4440 to 4441, TT replaced by GC.
Protein change: p.Ser1481Pro; replaces serine 1481 with proline.
Molecular consequence: missense variant.
Genome position (GRCh38, 1-based): chr11:108,292,622-108,292,623, TT replaced by GC. VCF-style: chr11-108292622-TT-GC. GRCh37 (hg19) VCF-style: chr11-108163349-TT-GC.
Other names: c.4440_4441delTTinsGC (NM_000051.3); c.4440_4441delinsGC, p.Ser1481Pro (NM_001351834.2); short protein forms S1481P.
Identifiers: ClinVar variation 418033 (VCV000418033.9), dbSNP rs1064793037, ClinGen allele CA16619180.

ClinVar aggregate classification (germline): Uncertain significance. Review status: criteria provided, multiple submitters, no conflicts (2 of 4 stars). 4 submissions from 4 submitters: Uncertain significance (4). Last evaluated 2025-07-14.

Conditions:
Familial cancer of breast. Also called: Hereditary breast cancer; BREAST CANCER, FAMILIAL; hereditary breast carcinoma. Identifiers: Orphanet 227535, MedGen C0346153, MONDO:0016419, OMIM 114480. Disease mechanism: loss of function.
Ataxia-telangiectasia syndrome (AT). Also called: Ataxia-telangiectasia; Cerebello-oculocutaneous telangiectasia; Immunodeficiency with ataxia telangiectasia; ATAXIA-TELANGIECTASIA, COMPLEMENTATION GROUP A; ATAXIA-TELANGIECTASIA, FRESNO VARIANT; Ataxia-telangiectasia, complementation group D. Identifiers: Orphanet 100, MedGen C0004135, MONDO:0008840, OMIM 208900.
Hereditary cancer-predisposing syndrome. Also called: Tumor predisposition; Neoplastic Syndromes, Hereditary; Hereditary Cancer Syndrome; Hereditary neoplastic syndrome. Identifiers: Orphanet 140162, MedGen C0027672, MeSH D009386, MONDO:0015356.

Submissions (4):

Ambry Genetics
Classification: Uncertain significance for Hereditary cancer-predisposing syndrome. Last evaluated: 2025-07-14. Review status: criteria provided, single submitter. Criteria: Ambry Variant Classification Scheme 2023. Collection method: clinical testing. Allele origin: germline.
Comment: The c.4440_4441delTTinsGC variant (also known as p.S1481P), located in coding exon 29 of the ATM gene, results from an in-frame deletion of TT and insertion of GC at nucleotide positions 4440 to 4441. This results in the substitution of the serine residue for a proline residue at codon 1481, an amino acid with similar properties. This amino acid position is not well conserved in available vertebrate species. In addition, this variant is predicted to be neutral by in silico analysis (Choi Y et al. PLoS ONE. 2012; 7(10):e46688). Based on the available evidence, the clinical significance of this variant remains unclear.

Labcorp Genetics (formerly Invitae), Labcorp
Classification: Uncertain significance for Ataxia-telangiectasia syndrome. Last evaluated: 2022-09-27. Review status: criteria provided, single submitter. Criteria: Invitae Variant Classification Sherloc (09022015). Collection method: clinical testing. Allele origin: germline.
Comment: In summary, the available evidence is currently insufficient to determine the role of this variant in disease. Therefore, it has been classified as a Variant of Uncertain Significance. Experimental studies and prediction algorithms are not available or were not evaluated, and the functional significance of this variant is currently unknown. ClinVar contains an entry for this variant (Variation ID: 418033). This variant has not been reported in the literature in individuals affected with ATM-related conditions. Information on the frequency of this variant in the gnomAD database is not available, as this variant may be reported differently in the database. This sequence change replaces serine, which is neutral and polar, with proline, which is neutral and non-polar, at codon 1481 of the ATM protein (p.Ser1481Pro).

Fulgent Genetics
Classification: Uncertain significance for Familial cancer of breast; Ataxia-telangiectasia syndrome. Last evaluated: 2021-09-23. Review status: criteria provided, single submitter. Criteria: ACMG Guidelines, 2015. Collection method: clinical testing. Allele origin: unknown.

GeneDx
Classification: Uncertain significance. Last evaluated: 2015-11-06. Review status: criteria provided, single submitter. Criteria: GeneDx Variant Classification (06012015). Collection method: clinical testing. Allele origin: germline. Affected: yes.
Comment: This variant is denoted ATM c.4440_4441delTTinsGC at the cDNA level and p.Ser1481Pro (S1481P) at the protein level. The normal sequence, with the bases that are deleted in braces and inserted in brackets, is gGCC[TT][GC]CTTG. This in frame deletion and insertion occurs on the same allele (in cis) and results in the missense change of a Serine to a Proline (TCT>CCT). This variant has not, to our knowledge, been published in the literature as pathogenic or benign. Neither ATM c.4440_4441delTTinsGC nor ATM Ser1481Pro (by this or an alternate nucleotide change) was observed in approximately 6,500 individuals of European and African American ancestry in the NHLBI Exome Sequencing Project, suggesting it is not a common benign variant in these populations. Since Serine and Proline differ in polarity, charge, size or other properties, this is considered a non-conservative amino acid substitution. ATM Ser1481Pro occurs at a position that is not conserved and is not located in a known functional domain (UniProt). In silico analyses predict that this variant is unlikely to alter protein structure or function. Based on currently available evidence, it is unclear whether ATM Ser1481Pro is pathogenic or benign. We consider it to be a variant of uncertain significance.